The following is an entry in ClinVar:

NM_016464.5(TMEM138):c.82T>G (p.Ser28Ala)

Gene: TMEM138 (transmembrane protein 138; plus strand). Cytogenetic location: 11q12.2.
Variant type: single nucleotide variant.
Coding change: c.82T>G on transcript NM_016464.5 (MANE Select); coding-DNA position 82, T replaced by G.
Protein change: p.Ser28Ala; replaces serine 28 with alanine.
Molecular consequence: missense variant. On other transcripts: non-coding transcript variant (1), intron variant (1).
Genome position (GRCh38, 1-based): chr11:61,364,472, T>G. VCF-style: chr11-61364472-T-G. GRCh37 (hg19) VCF-style: chr11-61131944-T-G.
Other names: c.-47+157T>G (NM_001330281.2); short protein forms S28A.
Identifiers: ClinVar variation 1501736 (VCV001501736.4), dbSNP rs764405866, ClinGen allele CA6034514.

ClinVar aggregate classification (germline): Uncertain significance. Review status: criteria provided, multiple submitters, no conflicts (2 of 4 stars). 2 submissions from 2 submitters: Uncertain significance (2). Last evaluated 2021-11-06.

Conditions:
Joubert syndrome 16 (JBTS16). Identifiers: Orphanet 2318, MedGen C3280906, MONDO:0013764, OMIM 614465.

Allele frequency attached by ClinVar (database versions not stated): gnomAD 0.00001; gnomAD exomes 0.00001 and 0.00005; ExAC 0.00008.
gnomAD v4.1: 19 of 1,614,112 alleles (0.0012%); highest among the groups gnomAD compares: South Asian, 0.019%; 1 homozygote.

Submissions (2):

Labcorp Genetics (formerly Invitae), Labcorp
Classification: Uncertain significance for Joubert syndrome 16. Last evaluated: 2021-11-06. Review status: criteria provided, single submitter. Criteria: Invitae Variant Classification Sherloc (09022015). Collection method: clinical testing. Allele origin: germline.
Comment: This sequence change replaces serine, which is neutral and polar, with alanine, which is neutral and non-polar, at codon 28 of the TMEM138 protein (p.Ser28Ala). This variant is present in population databases (rs764405866, gnomAD 0.04%). This variant has not been reported in the literature in individuals affected with TMEM138-related conditions. Algorithms developed to predict the effect of missense changes on protein structure and function are either unavailable or do not agree on the potential impact of this missense change (SIFT: "Tolerated"; PolyPhen-2: "Possibly Damaging"; Align-GVGD: "Class C0"). In summary, the available evidence is currently insufficient to determine the role of this variant in disease. Therefore, it has been classified as a Variant of Uncertain Significance.

Neuberg Centre For Genomic Medicine, NCGM
Classification: Uncertain significance for Joubert syndrome 16. Review status: criteria provided, single submitter. Criteria: ACMG Guidelines, 2015. Collection method: clinical testing. Allele origin: germline. Inheritance: Autosomal recessive inheritance. Affected: yes.
Comment: The missense variant c.82T>G (p.Ser28Ala) in TMEM138 gene has not been reported previously as a pathogenic variant nor as a benign variant, to our knowledge. The p.Ser28Ala variant is present with allele frequency of 0.005% in gnomAD exomes database. This variant has been submitted to the ClinVar database as Uncertain Significance. Multiple lines of computational evidence (Polyphen - possibly damaging , SIFT - tolerated and MutationTaster - disease causing) predicts conflicting evidence on protein structure and function for this variant. The reference amino acid at this position on TMEM138 gene is predicted as conserved by GERP++ and PhyloP across 100 vertebrates. The amino acid Ser at position 28 is changed to a Ala changing protein sequence and it might alter its composition and physico-chemical properties. For these reasons, this variant has been classified as Uncertain Significance (VUS).